The following is an entry in ClinVar:

NM_001204.7(BMPR2):c.247+6T>G

Gene: BMPR2 (bone morphogenetic protein receptor type 2; plus strand). Cytogenetic location: 2q33.1.
Variant type: single nucleotide variant.
Coding change: c.247+6T>G on transcript NM_001204.7 (MANE Select); 6 bases into the intron after coding-DNA position 247, T replaced by G.
Molecular consequence: intron variant.
Genome position (GRCh38, 1-based): chr2:202,464,985, T>G. VCF-style: chr2-202464985-T-G. GRCh37 (hg19) VCF-style: chr2-203329708-T-G.
Other names: c.247+6T>G, p.G47_Q82del,G63_Q82del (LRG_712t1).
Identifiers: ClinVar variation 425733 (VCV000425733.8), dbSNP rs1085307191, ClinGen allele CA645294003.

ClinVar aggregate classification (germline): Likely pathogenic. Review status: reviewed by expert panel (3 of 4 stars). 4 submissions from 4 submitters: Likely pathogenic (1). 3 of the submissions do not count toward it. Last evaluated 2026-05-08.

Conditions:
Pulmonary arterial hypertension. Identifiers: Orphanet 182090, MedGen C2973725, MeSH D000081029, MONDO:0015924, HP:0002092.
BMPR2-related disorder. Also called: BMPR2-related condition; BMPR2-related disorders.
Pulmonary hypertension, primary, 1 (PPH1). Also called: Pulmonary hypertension, familial primary, 1, with or without HHT. Identifiers: Orphanet 422, MedGen C4552070, MONDO:0024533, OMIM 178600.
Primary pulmonary hypertension. Also called: Idiopathic pulmonary hypertension. Identifiers: MedGen C0152171.

Submissions (4):

Clingen Pulmonary Hypertension Variant Curation Expert Panel, ClinGen
Classification: Likely pathogenic for Pulmonary arterial hypertension. Last evaluated: 2026-05-08. Review status: reviewed by expert panel. Criteria: ClinGen PH ACMG Specifications BMPR2 V2.0.0. Collection method: curation. Allele origin: germline. Inheritance: Autosomal dominant inheritance.
Comment: BMPR2 c.247+6T>G is an intronic variant located at the +6 position of intron 2. The variant is absent from gnomAD v4.1.0 and v2.1.1 (controls) (PM2_supporting). This variant has two entries in ClinVar. One case was not counted as the affected status was “unknown.” The second patient was reported in Cogan et al (PubMed ID16728714) as an obligate carrier from a heritable pulmonary arterial hypertension family (1 known affected PAH proband, PS4 not met). Despite being located outside the canonical splice donor site, the variant was shown to lead to a partial loss of exon 2 (PubMed ID16728714). Two alternative splice sites were used. The first cryptic donor site was located 60 base pairs upstream and led to the loss of amino acids 63-82. The second cryptic splice site was located 108 base pairs upstream and led to the loss of amino acids 47-82. Both alternative transcripts resulted in a partial loss of the functionally critical extracellular domain of the BMPR2 receptor, which is located at amino acids 33-131 (PVS1_strong(RNA)). Of note, a variant at c.247+5G>A was reported to also result in the loss of the splice donor site and two alternative transcripts, one lacking p.47_82 and the second one missing p.63_82 (PMID: 35346192). The variant affects the same splice region as c.247+1, classified as likely pathogenic by the PH VCEP. (PS1_supporting) PP1, PS2, PM6 were not assessed due to absence of co-segregation data. In summary, this variant meets the criteria to be classified as likely pathogenic for pulmonary arterial hypertension based on the ACMG/AMP criteria applied, as specified by the ClinGen Pulmonary Hypertension VCEP: PVS1_strong(RNA), PS1_supporting, PM2_supporting (VCEP specification version 2.0, 1/30/2026).

Labcorp Genetics (formerly Invitae), Labcorp
Classification: Uncertain significance for Primary pulmonary hypertension. Last evaluated: 2022-10-30. Review status: criteria provided, single submitter. Criteria: Invitae Variant Classification Sherloc (09022015). Collection method: clinical testing. Allele origin: germline. Not counted in ClinVar's aggregate classification.
Comment: In summary, the available evidence is currently insufficient to determine the role of this variant in disease. Therefore, it has been classified as a Variant of Uncertain Significance. Variants that disrupt the consensus splice site are a relatively common cause of aberrant splicing (PMID: 17576681, 9536098). Algorithms developed to predict the effect of sequence changes on RNA splicing suggest that this variant may disrupt the consensus splice site. ClinVar contains an entry for this variant (Variation ID: 425733). This variant has been observed in individuals with pulmonary arterial hypertension (PMID: 16728714; Invitae). This variant is not present in population databases (gnomAD no frequency). This sequence change falls in intron 2 of the BMPR2 gene. It does not directly change the encoded amino acid sequence of the BMPR2 protein. It affects a nucleotide within the consensus splice site.

Blueprint Genetics
Classification: Likely pathogenic for BMPR2-related disorders. Last evaluated: 2022-06-15. Review status: criteria provided, single submitter. Criteria: ACMG Guidelines, 2015. Collection method: clinical testing. Allele origin: germline. Affected: yes. Observed: 1 variant allele. Not counted in ClinVar's aggregate classification.

Rare Disease Genomics Group, St George's University of London
Classification: Pathogenic for Primary pulmonary hypertension. Review status: no assertion criteria provided. Collection method: literature only. Allele origin: germline. Affected: yes. Not counted in ClinVar's aggregate classification.

Literature cited by the submitters: PubMed 17576681 (cited by Labcorp Genetics (formerly Invitae), Labcorp); PubMed 9536098 (cited by Labcorp Genetics (formerly Invitae), Labcorp); PubMed 16728714 (cited by Labcorp Genetics (formerly Invitae), Labcorp and Rare Disease Genomics Group, St George's University of London).